The following is an entry in ClinVar:

NM_001376.5(DYNC1H1):c.4476C>G (p.Asp1492Glu)

Gene: DYNC1H1 (dynein cytoplasmic 1 heavy chain 1; plus strand). Cytogenetic location: 14q32.31.
Variant type: single nucleotide variant.
Coding change: c.4476C>G on transcript NM_001376.5 (MANE Select); coding-DNA position 4476, C replaced by G.
Protein change: p.Asp1492Glu; replaces aspartic acid 1492 with glutamic acid.
Molecular consequence: missense variant.
Genome position (GRCh38, 1-based): chr14:102,001,615, C>G. VCF-style: chr14-102001615-C-G. GRCh37 (hg19) VCF-style: chr14-102467952-C-G.
Other names: short protein forms D1492E.
Identifiers: ClinVar variation 4534816 (VCV004534816.6).
Genomic context (GRCh38, chr14:102,001,615, plus strand): 5'-TTATGAACTAGACTTGGTTAATTATCAGAACAAGTGCCGCTTGATCCGTGGCTGGGATGA[C>G]CTCTTCAACAAGGTCAAAGAACACATCAACAGCGTCTCGGCCATGAAGCTCTCTCCGTAT-3'
Protein context (NP_001367.2, residues 1482-1502): NKCRLIRGWD[Asp1492Glu]LFNKVKEHIN

ClinVar aggregate classification (germline): Uncertain significance (1 of 4 stars; one submission).

gnomAD v4.1: 1 of 1,614,178 alleles (0.000062%); highest among the groups gnomAD compares: Non-Finnish European, 0.000085%; no homozygotes.

Submission:

CeGaT Center for Human Genetics Tuebingen
Classification: Uncertain significance. Last evaluated: 2025-10-01. Review status: criteria provided, single submitter. Criteria: CeGaT Center For Human Genetics Tuebingen Variant Classification Criteria Version 2. Collection method: clinical testing. Allele origin: germline. Affected: yes. Observed: 1 variant allele.
Comment: DYNC1H1: PM2, PP2